The following is an entry in ClinVar:

NM_015330.6(SPECC1L):c.2882C>T (p.Ala961Val)

Genes: SPECC1L (sperm antigen with calponin homology and coiled-coil domains 1 like; plus strand), SPECC1L-ADORA2A (SPECC1L-ADORA2A readthrough (NMD candidate); plus strand). Cytogenetic location: 22q11.23.
Variant type: single nucleotide variant.
Coding change: c.2882C>T on transcript NM_015330.6 (MANE Select); coding-DNA position 2882, C replaced by T.
Protein change: p.Ala961Val; replaces alanine 961 with valine.
Molecular consequence: missense variant. On other transcripts: non-coding transcript variant (1).
Genome position (GRCh38, 1-based): chr22:24,365,530, C>T. VCF-style: chr22-24365530-C-T. GRCh37 (hg19) VCF-style: chr22-24761498-C-T.
Other names: c.2882C>T, p.Ala961Val (NM_001145468.4, NM_001254732.3); c.80C>T, p.Ala27Val (NM_001254733.2); short protein forms A27V, A961V.
Identifiers: ClinVar variation 764090 (VCV000764090.39), dbSNP rs5996694, ClinGen allele CA10152484.
Genomic context (GRCh38, chr22:24,365,530, plus strand): 5'-TCACAGTGTCTCGACGAAGTAGTGAAGAAGTGAAACGGGACATTTCTGCACAGGAGGGAG[C>T]GTCGCCAGCCTCTCTGATGGCTATGGGAACCACGTCTCCACAGCTTTCCCTGTCCTCTTC-3'
Protein context (NP_056145.5, residues 951-971): VKRDISAQEG[Ala961Val]SPASLMAMGT

ClinVar aggregate classification (germline): Benign/Likely benign. Review status: criteria provided, multiple submitters, no conflicts (2 of 4 stars). 5 submissions from 5 submitters: Benign (3); Likely benign (1). 1 of the submissions does not count toward it. Last evaluated 2026-02-01.

Conditions:
SPECC1L-related disorder. Also called: SPECC1L-related condition.

Allele frequency attached by ClinVar (database versions not stated): 1000 Genomes Project 30x 0.00016; 1000 Genomes Project 0.00020; ESP Exome Variant Server 0.00046; TOPMed 0.00053; gnomAD exomes 0.00121 and 0.00228; ExAC 0.00215; gnomAD 0.00219 and 0.00233.
gnomAD v4.1: 2,097 of 1,614,008 alleles (0.13%); highest among the groups gnomAD compares: Non-Finnish European, 0.071%; 17 homozygotes.

Submissions (5):

Labcorp Genetics (formerly Invitae), Labcorp
Classification: Benign. Last evaluated: 2026-02-01. Review status: criteria provided, single submitter. Criteria: Invitae Variant Classification Sherloc (09022015). Collection method: clinical testing. Allele origin: germline.

CeGaT Center for Human Genetics Tuebingen
Classification: Likely benign. Last evaluated: 2024-12-01. Review status: criteria provided, single submitter. Criteria: CeGaT Center For Human Genetics Tuebingen Variant Classification Criteria Version 2. Collection method: clinical testing. Allele origin: germline. Affected: yes. Observed: 7 variant alleles.
Comment: SPECC1L: BP4, BS2

Blueprint Genetics
Classification: Benign. Last evaluated: 2024-11-27. Review status: criteria provided, single submitter. Criteria: ACMG Guidelines, 2015. Collection method: clinical testing. Allele origin: germline.

Genetic Services Laboratory, University of Chicago
Classification: Benign. Last evaluated: 2018-07-16. Review status: criteria provided, single submitter. Criteria: ACMG Guidelines, 2015. Collection method: clinical testing. Allele origin: germline. Affected: no.

PreventionGenetics, part of Exact Sciences
Classification: Benign for SPECC1L-related condition. Last evaluated: 2020-11-24. Review status: no assertion criteria provided. Collection method: clinical testing. Allele origin: germline. Not counted in ClinVar's aggregate classification.
Comment: This variant is classified as benign based on ACMG/AMP sequence variant interpretation guidelines (Richards et al. 2015 PMID: 25741868, with internal and published modifications).